The following is an entry in ClinVar:

NM_001267550.2(TTN):c.526G>C (p.Val176Leu)

Gene: TTN (titin; minus strand). Cytogenetic location: 2q31.2.
Variant type: single nucleotide variant.
Coding change: c.526G>C on transcript NM_001267550.2 (MANE Select); coding-DNA position 526, G replaced by C.
Protein change: p.Val176Leu; replaces valine 176 with leucine.
Molecular consequence: missense variant.
Genome position (GRCh38, 1-based): chr2:178,800,452, C>G on the plus strand (G>C on the coding strand, the complement: TTN is on the minus strand). VCF-style: chr2-178800452-C-G. GRCh37 (hg19) VCF-style: chr2-179665179-C-G.
Other names: c.526G>C, p.Val176Leu (NM_001256850.1, NM_003319.4, NM_133378.4 and 3 more transcripts); short protein forms V176L.
Identifiers: ClinVar variation 1746506 (VCV001746506.2), dbSNP rs941179323, ClinGen allele CA60988335.

ClinVar aggregate classification (germline): Uncertain significance (1 of 4 stars; one submission).

Conditions:
Cardiovascular phenotype. Identifiers: MedGen CN230736.

Allele frequency attached by ClinVar (database versions not stated): TOPMed 0.00002; gnomAD 0.00003.

Submission:

Ambry Genetics
Classification: Uncertain significance for Cardiovascular phenotype. Last evaluated: 2018-12-03. Review status: criteria provided, single submitter. Criteria: Ambry Variant Classification Scheme 2023. Collection method: clinical testing. Allele origin: germline.
Comment: The p.V176L variant (also known as c.526G>C), located in coding exon 3 of the TTN gene, results from a G to C substitution at nucleotide position 526. The valine at codon 176 is replaced by leucine, an amino acid with highly similar properties. This amino acid position is highly conserved in available vertebrate species. In addition, the in silico prediction for this alteration is inconclusive. Since supporting evidence is limited at this time, the clinical significance of this alteration remains unclear.